The following is an entry in ClinVar:

ClinVar aggregate classification (germline): Uncertain significance (1 of 4 stars; one submission).

Submission:

Labcorp Genetics (formerly Invitae), Labcorp
Classification: Uncertain significance. Last evaluated: 2021-11-30. Review status: criteria provided, single submitter. Criteria: Invitae Variant Classification Sherloc (09022015). Collection method: clinical testing. Allele origin: germline.
Comment: A gross deletion of the genomic region encompassing the full coding sequence of the MDH2 gene has been identified. The current clinical and genetic evidence is not sufficient to establish whether loss-of-function variants in MDH2 cause disease. The boundaries of this event are unknown as they extend beyond the assayed region for this gene and therefore may encompass additional genes. This variant has not been reported in the literature in individuals affected with MDH2-related conditions. In summary, the available evidence is currently insufficient to determine the role of this variant in disease. Therefore, it has been classified as a Variant of Uncertain Significance.

NC_000007.13:g.(?_75583311)_(75988125_?)del

Genes: MDH2 (malate dehydrogenase 2; plus strand), HSPB1 (heat shock protein family B (small) member 1; plus strand), POR (cytochrome p450 oxidoreductase; plus strand), SRRM3 (serine/arginine repetitive matrix 3; plus strand), STYXL1 (serine/threonine/tyrosine interacting like 1; minus strand) and 2 more. Cytogenetic location: 7q11.23.
Variant type: Deletion.
Identifiers: ClinVar variation 1411434 (VCV001411434.1).